The following continues an entry in ClinVar:

NM_130839.5(UBE3A):c.2567_2570del (p.Lys856fs)

ClinVar aggregate classification (germline): Pathogenic. Pathogenic (1).

Submissions 12 to 21 of 21:

Cambridge Genomics Laboratory, East Genomic Laboratory Hub, NHS Genomic Medicine Service
Classification: Pathogenic for Intellectual disability. Last evaluated: 2020-05-20. Review status: criteria provided, single submitter. Criteria: ACGS Best Practice Guidelines for Variant Classification in Rare Disease 2020. Collection method: clinical testing. Allele origin: germline. Affected: yes. Observed: 1 variant allele. Not counted in ClinVar's aggregate classification.

Baylor Genetics
Classification: Pathogenic for Angelman syndrome. Last evaluated: 2017-09-01. Review status: criteria provided, single submitter. Criteria: ACMG Guidelines, 2015. Collection method: clinical testing. Allele origin: de novo. Inheritance: Autosomal dominant inheritance. Affected: yes. Not counted in ClinVar's aggregate classification.

Cytogénomique, Hospices Civils de Lyon
Classification: Pathogenic for Angelman syndrome. Last evaluated: 2017-04-27. Review status: criteria provided, single submitter. Criteria: ACMG Guidelines, 2015. Collection method: clinical testing. Allele origin: de novo. Inheritance: Autosomal dominant inheritance. Affected: yes. Not counted in ClinVar's aggregate classification.

CeGaT Center for Human Genetics Tuebingen
Classification: Pathogenic. Last evaluated: 2017-02-01. Review status: criteria provided, single submitter. Criteria: CeGaT Center For Human Genetics Tuebingen Variant Classification Criteria Version 2. Collection method: clinical testing. Allele origin: germline. Affected: yes. Observed: 1 variant allele. Not counted in ClinVar's aggregate classification.

Genetic Services Laboratory, University of Chicago
Classification: Pathogenic for Angelman syndrome. Last evaluated: 2013-02-08. Review status: criteria provided, single submitter. Criteria: ACMG Guidelines, 2007. Collection method: clinical testing. Allele origin: germline. Inheritance: Autosomal dominant inheritance. Affected: yes. Not counted in ClinVar's aggregate classification.

Juno Genomics, Hangzhou Juno Genomics, Inc
Classification: Pathogenic for Angelman syndrome. Review status: criteria provided, single submitter. Criteria: ACMG Guidelines, 2015. Collection method: clinical testing. Allele origin: germline. Affected: yes. Not counted in ClinVar's aggregate classification.
Comment: Absent from controls (or at extremely low frequency if recessive) in Genome Aggregation Database.;Null variant in a gene where loss of function (LOF) is a known mechanism of disease.;The prevalence of the variant in affected individuals is significantly increased compared to the prevalence in controls.;Assumed de novo, but without confirmation of paternity and maternity.

Clinical Molecular Genetics Laboratory, Johns Hopkins All Children's Hospital
Classification: Pathogenic for Angelman syndrome. Last evaluated: 2007-04-23. Review status: no assertion criteria provided. Collection method: clinical testing. Allele origin: germline. Affected: yes. Observed: 1 variant allele. Not counted in ClinVar's aggregate classification.

OMIM
Classification: Pathogenic for ANGELMAN SYNDROME. Last evaluated: 2004-04-30. Review status: no assertion criteria provided. Collection method: literature only. Allele origin: germline. Not counted in ClinVar's aggregate classification.

Diagnostic Laboratory, Department of Genetics, University Medical Center Groningen
Classification: Pathogenic. Review status: no assertion criteria provided. Collection method: clinical testing. Allele origin: germline. Affected: yes. Study: VKGL Data-share Consensus. Not counted in ClinVar's aggregate classification.

Joint Genome Diagnostic Labs from Nijmegen and Maastricht, Radboudumc and MUMC+
Classification: Likely pathogenic. Review status: no assertion criteria provided. Collection method: clinical testing. Allele origin: germline. Affected: yes. Study: VKGL Data-share Consensus. Not counted in ClinVar's aggregate classification.

Literature cited by the submitters: PubMed 9887341 (cited by 4 submitters); PubMed 25212744 (cited by 3billion and Ambry Genetics); PubMed 19213023 (cited by Labcorp Genetics (formerly Invitae), Labcorp and Ambry Genetics); PubMed 20301323 (cited by Victorian Clinical Genetics Services, Murdoch Childrens Research Institute); PubMed 14981718 (cited by Ambry Genetics); PubMed 15054837 (cited by Ambry Genetics and OMIM); PubMed 23416059 (cited by Ambry Genetics); PubMed 31031587 (cited by Ambry Genetics); PubMed 25326635 (cited by Baylor Genetics).